The following is an entry in ClinVar:

ClinVar aggregate classification (germline): Pathogenic. Review status: criteria provided, multiple submitters, no conflicts (2 of 4 stars). 8 submissions from 8 submitters: Pathogenic (5). 3 of the submissions do not count toward it. Last evaluated 2025-09-05.

Conditions:
Cardiovascular phenotype. Identifiers: MedGen CN230736.
Cardiomyopathy (CMYO). Also called: Cardiomyopathies. Identifiers: Orphanet 167848, MedGen C0878544, MONDO:0004994, HP:0001638. Inheritance: Various modes of inheritance.
Hypertrophic cardiomyopathy 4. Also called: Familial hypertrophic cardiomyopathy 4. Identifiers: MedGen C1861862, MONDO:0007268, OMIM 115197.
Hypertrophic cardiomyopathy. Also called: HYPERTROPHIC MYOCARDIOPATHY. Identifiers: Orphanet 217569, MedGen C0007194, MeSH D002312, MONDO:0005045, HP:0001639.

Submissions (8):

Labcorp Genetics (formerly Invitae), Labcorp
Classification: Pathogenic for Hypertrophic cardiomyopathy. Last evaluated: 2025-09-05. Review status: criteria provided, single submitter. Criteria: Invitae Variant Classification Sherloc (09022015). Collection method: clinical testing. Allele origin: germline.
Comment: This sequence change creates a premature translational stop signal (p.Gly235Serfs*74) in the MYBPC3 gene. It is expected to result in an absent or disrupted protein product. Loss-of-function variants in MYBPC3 are known to be pathogenic (PMID: 19574547). This variant is not present in population databases (gnomAD no frequency). This variant has not been reported in the literature in individuals affected with MYBPC3-related conditions. ClinVar contains an entry for this variant (Variation ID: 188532). For these reasons, this variant has been classified as Pathogenic.

Color Diagnostics, LLC DBA Color Health
Classification: Pathogenic for Cardiomyopathy. Last evaluated: 2025-07-09. Review status: criteria provided, single submitter. Criteria: ACMG Guidelines, 2015. Collection method: clinical testing. Allele origin: germline.
Comment: This variant inserts 26 nucleotides in exon 6 of the MYBPC3 gene, creating a frameshift and premature translation stop signal. This variant is expected to result in an absent or non-functional protein product. This variant has been reported in individuals affected with hypertrophic cardiomyopathy (PMID: 22115648, 30297972, 31513939, 33495597). This variant has not been identified in the general population by the Genome Aggregation Database (gnomAD). Loss of MYBPC3 function is a known mechanism of disease. Based on the available evidence, this variant is classified as Pathogenic.

Molecular Diagnostic Laboratory for Inherited Cardiovascular Disease, Montreal Heart Institute
Classification: Pathogenic for Cardiovascular phenotype. Last evaluated: 2024-11-08. Review status: criteria provided, single submitter. Criteria: ACMG Guidelines, 2015. Collection method: clinical testing. Allele origin: germline. Affected: yes.
Comment: PVS1, PS4_mod, PM2

Center for Human Genetics, University of Leuven
Classification: Pathogenic for Hypertrophic cardiomyopathy. Last evaluated: 2018-10-31. Review status: criteria provided, single submitter. Criteria: ACMG Guidelines, 2015. Collection method: clinical testing. Allele origin: germline. Affected: yes.

Center for Medical Genetics Ghent, University of Ghent
Classification: Pathogenic for Hypertrophic cardiomyopathy 4. Last evaluated: 2016-01-01. Review status: criteria provided, single submitter. Criteria: ACMG Guidelines, 2015. Collection method: clinical testing. Allele origin: germline. Affected: yes.
Comment: This variant has not been identified in large population databases (Gnomad, 1000 Genomes, Go NL, Exome Variant Server) and is predicted to cause loss of normal protein function either through protein truncation or nonsense-mediated mRNA decay.

Clinical Genetics, Academic Medical Center
Classification: Pathogenic. Review status: no assertion criteria provided. Collection method: clinical testing. Allele origin: germline. Affected: yes. Study: VKGL Data-share Consensus. Not counted in ClinVar's aggregate classification.

Genome Diagnostics Laboratory, University Medical Center Utrecht
Classification: Pathogenic. Review status: no assertion criteria provided. Collection method: clinical testing. Allele origin: germline. Affected: yes. Study: VKGL Data-share Consensus. Not counted in ClinVar's aggregate classification.

Joint Genome Diagnostic Labs from Nijmegen and Maastricht, Radboudumc and MUMC+
Classification: Pathogenic. Review status: no assertion criteria provided. Collection method: clinical testing. Allele origin: germline. Affected: yes. Study: VKGL Data-share Consensus. Not counted in ClinVar's aggregate classification.

Literature cited by the submitters: PubMed 19574547 (cited by Labcorp Genetics (formerly Invitae), Labcorp); PubMed 22115648 (cited by Color Diagnostics, LLC DBA Color Health); PubMed 30297972 (cited by Color Diagnostics, LLC DBA Color Health); PubMed 31513939 (cited by Color Diagnostics, LLC DBA Color Health); PubMed 33495597 (cited by Color Diagnostics, LLC DBA Color Health).

NC_000011.10:g.47348498_47348523dup

Gene: MYBPC3 (myosin binding protein C3; minus strand). Cytogenetic location: 11p11.2.
Variant type: Duplication.
Genome position: GRCh38 VCF-style: chr11-47348494-A-AGTGAAGGCAGGCTGGGCATCGGTGAT. GRCh37 (hg19) VCF-style: chr11-47370045-A-AGTGAAGGCAGGCTGGGCATCGGTGAT.
Other names: c.676_701dup, p.Gly235fs (LRG_386t1).
Identifiers: ClinVar variation 188532 (VCV000188532.14), dbSNP rs786204329, ClinGen allele CA273860.